The following is an entry in ClinVar:

ClinVar aggregate classification (germline): Uncertain significance. Review status: criteria provided, multiple submitters, no conflicts (2 of 4 stars). 2 submissions from 2 submitters: Uncertain significance (2). Last evaluated 2022-02-05.

Conditions:
Autosomal recessive severe congenital neutropenia due to G6PC3 deficiency. Also called: G6PC3 Deficiency; NEUTROPENIA, SEVERE CONGENITAL, 4, AUTOSOMAL RECESSIVE. Identifiers: Orphanet 331176, MedGen C2751630, MONDO:0012930, OMIM 612541.

Allele frequency attached by ClinVar (database versions not stated): TOPMed below 0.00001; gnomAD exomes below 0.00001 and 0.00003; gnomAD 0.00001; ExAC 0.00001.

Submissions (2):

Labcorp Genetics (formerly Invitae), Labcorp
Classification: Uncertain significance for Autosomal recessive severe congenital neutropenia due to G6PC3 deficiency. Last evaluated: 2022-02-05. Review status: criteria provided, single submitter. Criteria: Invitae Variant Classification Sherloc (09022015). Collection method: clinical testing. Allele origin: germline.
Comment: This sequence change replaces tyrosine, which is neutral and polar, with cysteine, which is neutral and slightly polar, at codon 270 of the G6PC3 protein (p.Tyr270Cys). This variant is present in population databases (rs749505455, gnomAD 0.002%). This variant has not been reported in the literature in individuals affected with G6PC3-related conditions. ClinVar contains an entry for this variant (Variation ID: 1163100). Algorithms developed to predict the effect of missense changes on protein structure and function are either unavailable or do not agree on the potential impact of this missense change (SIFT: "Tolerated"; PolyPhen-2: "Probably Damaging"; Align-GVGD: "Class C0"). In summary, the available evidence is currently insufficient to determine the role of this variant in disease. Therefore, it has been classified as a Variant of Uncertain Significance.

Mayo Clinic Laboratories, Mayo Clinic
Classification: Uncertain significance. Last evaluated: 2019-05-21. Review status: criteria provided, single submitter. Criteria: ACMG Guidelines, 2015. Collection method: clinical testing. Allele origin: germline. Observed: 1 variant allele.

NM_138387.4(G6PC3):c.809A>G (p.Tyr270Cys)

Gene: G6PC3 (glucose-6-phosphatase catalytic subunit 3; plus strand). Cytogenetic location: 17q21.31.
Variant type: single nucleotide variant.
Coding change: c.809A>G on transcript NM_138387.4 (MANE Select); coding-DNA position 809, A replaced by G.
Protein change: p.Tyr270Cys; replaces tyrosine 270 with cysteine.
Molecular consequence: missense variant. On other transcripts: 3 prime UTR variant (1).
Genome position (GRCh38, 1-based): chr17:44,075,811, A>G. VCF-style: chr17-44075811-A-G. GRCh37 (hg19) VCF-style: chr17-42153179-A-G.
Other names: c.*102A>G (NM_001319945.2); c.464A>G, p.Tyr155Cys (NM_001384165.1, NM_001384166.1, NM_001384167.1 and 1 more transcripts); short protein forms Y155C, Y270C.
Identifiers: ClinVar variation 1163100 (VCV001163100.9), dbSNP rs749505455, ClinGen allele CA8596151.